The following is an entry in ClinVar:

ClinVar aggregate classification (germline): Uncertain significance (1 of 4 stars; one submission).

Submission:

Mayo Clinic Laboratories, Mayo Clinic
Classification: Uncertain significance. Last evaluated: 2024-10-15. Review status: criteria provided, single submitter. Criteria: ACMG Guidelines, 2015. Collection method: clinical testing. Allele origin: germline. Observed: 1 variant allele.
Comment: PM2_supporting

NM_001142864.4(PIEZO1):c.1107+5G>A

Genes: HSALR1 (HSP90AB1 associated lncRNA 1; plus strand), PIEZO1 (piezo type mechanosensitive ion channel component 1 (Er blood group); minus strand). Cytogenetic location: 16q24.3.
Variant type: single nucleotide variant.
Coding change: c.1107+5G>A on transcript NM_001142864.4 (MANE Select); 5 bases into the intron after coding-DNA position 1107, G replaced by A.
Molecular consequence: intron variant.
Genome position (GRCh38, 1-based): chr16:88,737,723, C>T on the plus strand (G>A on the coding strand, the complement: PIEZO1 is on the minus strand). VCF-style: chr16-88737723-C-T. GRCh37 (hg19) VCF-style: chr16-88804131-C-T.
Other names: p.?.
Identifiers: ClinVar variation 4542099 (VCV004542099.1).